The following is an entry in ClinVar:

NM_002775.5(HTRA1):c.703G>A (p.Gly235Ser)

Gene: HTRA1 (HtrA serine peptidase 1; plus strand). Cytogenetic location: 10q26.13.
Variant type: single nucleotide variant.
Coding change: c.703G>A on transcript NM_002775.5 (MANE Select); coding-DNA position 703, G replaced by A.
Protein change: p.Gly235Ser; replaces glycine 235 with serine.
Molecular consequence: missense variant.
Genome position (GRCh38, 1-based): chr10:122,489,552, G>A. VCF-style: chr10-122489552-G-A. GRCh37 (hg19) VCF-style: chr10-124249068-G-A.
Other names: short protein forms G235S.
Identifiers: ClinVar variation 1690895 (VCV001690895.3), dbSNP rs1422866036, ClinGen allele CA378581315.

ClinVar aggregate classification (germline): Uncertain significance. Review status: criteria provided, multiple submitters, no conflicts (2 of 4 stars). 2 submissions from 2 submitters: Uncertain significance (2). Last evaluated 2025-08-21.

Allele frequency attached by ClinVar (database versions not stated): gnomAD exomes below 0.00001 and 0.00001; gnomAD 0.00001.
gnomAD v4.1: 8 of 1,614,030 alleles (0.0005%); highest among the groups gnomAD compares: Admixed American, 0.0033%; no homozygotes.

Submissions (2):

Labcorp Genetics (formerly Invitae), Labcorp
Classification: Uncertain significance. Last evaluated: 2025-08-21. Review status: criteria provided, single submitter. Criteria: Invitae Variant Classification Sherloc (09022015). Collection method: clinical testing. Allele origin: germline.
Comment: This sequence change replaces glycine, which is neutral and non-polar, with serine, which is neutral and polar, at codon 235 of the HTRA1 protein (p.Gly235Ser). This variant is present in population databases (no rsID available, gnomAD 0.007%). This variant has not been reported in the literature in individuals affected with HTRA1-related conditions. ClinVar contains an entry for this variant (Variation ID: 1690895). Invitae Evidence Modeling of protein sequence and biophysical properties (such as structural, functional, and spatial information, amino acid conservation, physicochemical variation, residue mobility, and thermodynamic stability) has been performed for this missense variant. However, the output from this modeling did not meet the statistical confidence thresholds required to predict the impact of this variant on HTRA1 protein function. In summary, the available evidence is currently insufficient to determine the role of this variant in disease. Therefore, it has been classified as a Variant of Uncertain Significance.

Laboratorio de Genetica e Diagnostico Molecular, Hospital Israelita Albert Einstein
Classification: Uncertain significance. Last evaluated: 2020-06-10. Review status: criteria provided, single submitter. Criteria: ACMG Guidelines, 2015. Collection method: clinical testing. Allele origin: germline. Affected: yes.
Comment: ACMG classification criteria: PM2, PP3